The following is an entry in ClinVar:

ClinVar aggregate classification (germline): Uncertain significance (1 of 4 stars; one submission).

Submission:

Labcorp Genetics (formerly Invitae), Labcorp
Classification: Uncertain significance. Last evaluated: 2025-04-29. Review status: criteria provided, single submitter. Criteria: Invitae Variant Classification Sherloc (09022015). Collection method: clinical testing. Allele origin: germline.
Comment: This variant, c.380_381insTGCCGCCGCCGCCGC, results in the insertion of 5 amino acid(s) of the MNX1 protein (p.Ala130_Ala134dup), but otherwise preserves the integrity of the reading frame. The frequency data for this variant in the population databases is considered unreliable, as metrics indicate insufficient coverage at this position in the gnomAD database. This variant has not been reported in the literature in individuals affected with MNX1-related conditions. In summary, the available evidence is currently insufficient to determine the role of this variant in disease. Therefore, it has been classified as a Variant of Uncertain Significance.

NM_005515.4(MNX1):c.380_381insTGCCGCCGCCGCCGC (p.Ala134_Gly135insAlaAlaAlaAlaAla)

Gene: MNX1 (motor neuron and pancreas homeobox 1; minus strand). Cytogenetic location: 7q36.3.
Variant type: Microsatellite.
Coding change: c.380_381insTGCCGCCGCCGCCGC on transcript NM_005515.4 (MANE Select); coding-DNA positions 380 to 381, TGCCGCCGCCGCCGC inserted.
Protein change: p.Ala134_Gly135insAlaAlaAlaAlaAla.
Genome position: GRCh38 VCF-style: chr7-157009970-G-GGCGGCGGCGGCGGCA. GRCh37 (hg19) VCF-style: chr7-156802664-G-GGCGGCGGCGGCGGCA.
Identifiers: ClinVar variation 4762625 (VCV004762625.1).